The following is an entry in ClinVar:

ClinVar aggregate classification (germline): Uncertain significance (1 of 4 stars; one submission).

Submission:

Labcorp Genetics (formerly Invitae), Labcorp
Classification: Uncertain significance. Last evaluated: 2025-04-22. Review status: criteria provided, single submitter. Criteria: Invitae Variant Classification Sherloc (09022015). Collection method: clinical testing. Allele origin: germline.
Comment: This sequence change falls in intron 6 of the IL12RB2 gene. It does not directly change the encoded amino acid sequence of the IL12RB2 protein. This variant is not present in population databases (gnomAD no frequency). This variant has not been reported in the literature in individuals affected with IL12RB2-related conditions. Algorithms developed to predict the effect of sequence changes on RNA splicing suggest that this variant may disrupt the consensus splice site. In summary, the available evidence is currently insufficient to determine the role of this variant in disease. Therefore, it has been classified as a Variant of Uncertain Significance.

NM_001374259.2(IL12RB2):c.808-10C>A

Gene: IL12RB2 (interleukin 12 receptor subunit beta 2; plus strand). Cytogenetic location: 1p31.3.
Variant type: single nucleotide variant.
Coding change: c.808-10C>A on transcript NM_001374259.2 (MANE Select); 10 bases into the intron before coding-DNA position 808, C replaced by A.
Molecular consequence: intron variant.
Genome position (GRCh38, 1-based): chr1:67,330,650, C>A. VCF-style: chr1-67330650-C-A. GRCh37 (hg19) VCF-style: chr1-67796333-C-A.
Other names: c.808-10C>A (NM_001258214.1, NM_001319233.1, NM_001258216.1 and 2 more transcripts).
Identifiers: ClinVar variation 4718150 (VCV004718150.1).
Genomic context (GRCh38, chr1:67,330,650, plus strand): 5'-TTTTATGTTAAAATTCCTTAAATTAGCAATCTAGTATTAATAGGCACTTTAAAAAAATGT[C>A]TGTTTCAAGGTTAATGTTACAAAGGCCAAAGGAAGACATGATTTGCTGGATCTGAAACCA-3'